The following is an entry in ClinVar:

ClinVar aggregate classification (germline): Likely benign. Review status: criteria provided, single submitter (1 of 4 stars). 2 submissions from 2 submitters: Likely benign (1). 1 of the submissions does not count toward it. Last evaluated 2024-03-26.

Conditions:
SLC5A5-related disorder. Also called: SLC5A5-related condition.

Allele frequency attached by ClinVar (database versions not stated): ExAC 0.00002; TOPMed 0.00004.
gnomAD v4.1: 173 of 1,613,684 alleles (0.011%); highest among the groups gnomAD compares: Non-Finnish European, 0.013%; no homozygotes.

Submissions (2):

Labcorp Genetics (formerly Invitae), Labcorp
Classification: Likely benign. Last evaluated: 2024-03-26. Review status: criteria provided, single submitter. Criteria: Invitae Variant Classification Sherloc (09022015). Collection method: clinical testing. Allele origin: germline.

PreventionGenetics, part of Exact Sciences
Classification: Likely benign for SLC5A5-related condition. Last evaluated: 2019-06-06. Review status: no assertion criteria provided. Collection method: clinical testing. Allele origin: germline. Not counted in ClinVar's aggregate classification.
Comment: This variant is classified as likely benign based on ACMG/AMP sequence variant interpretation guidelines (Richards et al. 2015 PMID: 25741868, with internal and published modifications).

NM_000453.3(SLC5A5):c.1635C>T (p.Leu545=)

Gene: SLC5A5 (solute carrier family 5 member 5; plus strand). Cytogenetic location: 19p13.11.
Variant type: single nucleotide variant.
Coding change: c.1635C>T on transcript NM_000453.3 (MANE Select); coding-DNA position 1635, C replaced by T.
Protein change: p.Leu545=; no amino-acid change (leucine 545 retained).
Molecular consequence: synonymous variant.
Genome position (GRCh38, 1-based): chr19:17,888,439, C>T. VCF-style: chr19-17888439-C-T. GRCh37 (hg19) VCF-style: chr19-17999248-C-T.
Other names: c.1635C>T (NM_000453.2).
Identifiers: ClinVar variation 2763176 (VCV002763176.5), dbSNP rs769611572, ClinGen allele CA9303243.